The following is an entry in ClinVar:

ClinVar aggregate classification (germline): Uncertain significance (1 of 4 stars; one submission).

Submission:

Women's Health and Genetics/Laboratory Corporation of America, LabCorp
Classification: Uncertain significance. Last evaluated: 2023-06-09. Review status: criteria provided, single submitter. Criteria: LabCorp Variant Classification Summary - May 2015. Collection method: clinical testing. Allele origin: germline.
Comment: Variant summary: ASS1 c.1165A>C (p.Thr389Pro) results in a non-conservative amino acid change in the encoded protein sequence. Four of five in-silico tools predict a damaging effect of the variant on protein function. The variant was absent in 250792 control chromosomes (gnomAD). The available data on variant occurrences in the general population are insufficient to allow any conclusion about variant significance. c.1165A>C has been reported in the literature in at least one compound heterozygous individual affected with Citrullinemia (Kose_2017). These data do not allow any conclusion about variant significance. To our knowledge, no experimental evidence demonstrating an impact on protein function has been reported. The following publication has been ascertained in the context of this evaluation (PMID: 28132756). No clinical diagnostic laboratories have submitted clinical-significance assessments for this variant to ClinVar after 2014. Based on the evidence outlined above, the variant was classified as uncertain significance.

Literature cited by the submitters: PubMed 28132756.

NM_054012.4(ASS1):c.1165A>C (p.Thr389Pro)

Gene: ASS1 (argininosuccinate synthase 1; plus strand). Cytogenetic location: 9q34.11.
Variant type: single nucleotide variant.
Coding change: c.1165A>C on transcript NM_054012.4 (MANE Select); coding-DNA position 1165, A replaced by C.
Protein change: p.Thr389Pro; replaces threonine 389 with proline.
Molecular consequence: missense variant.
Genome position (GRCh38, 1-based): chr9:130,499,542, A>C. VCF-style: chr9-130499542-A-C. GRCh37 (hg19) VCF-style: chr9-133374929-A-C.
Other names: c.1165A>C, p.Thr389Pro (NM_000050.4); short protein forms T389P.
Identifiers: ClinVar variation 2573414 (VCV002573414.1), dbSNP rs145288815, ClinGen allele CA375232694.